The following is an entry in ClinVar:

ClinVar aggregate classification (germline): Uncertain significance (1 of 4 stars; one submission).

Conditions:
Inborn genetic diseases. Identifiers: MedGen C0950123, MeSH D030342.

Submission:

Ambry Genetics
Classification: Uncertain significance for Inborn genetic diseases. Last evaluated: 2023-01-11. Review status: criteria provided, single submitter. Criteria: Ambry Variant Classification Scheme 2023. Collection method: clinical testing. Allele origin: germline.
Comment: The p.V1428L variant (also known as c.4282G>C), located in coding exon 30 of the LRRK2 gene, results from a G to C substitution at nucleotide position 4282. The valine at codon 1428 is replaced by leucine, an amino acid with highly similar properties. This amino acid position is conserved. In addition, the in silico prediction for this alteration is inconclusive. Since supporting evidence is limited at this time, the clinical significance of this alteration remains unclear.

NM_198578.4(LRRK2):c.4282G>C (p.Val1428Leu)

Gene: LRRK2 (leucine rich repeat kinase 2; plus strand). Cytogenetic location: 12q12.
Variant type: single nucleotide variant.
Coding change: c.4282G>C on transcript NM_198578.4 (MANE Select); coding-DNA position 4282, G replaced by C.
Protein change: p.Val1428Leu; replaces valine 1428 with leucine.
Molecular consequence: missense variant.
Genome position (GRCh38, 1-based): chr12:40,309,198, G>C. VCF-style: chr12-40309198-G-C. GRCh37 (hg19) VCF-style: chr12-40703000-G-C.
Other names: short protein forms V1428L.
Identifiers: ClinVar variation 2453079 (VCV002453079.2), dbSNP rs1238064206, ClinGen allele CA384418163.